The following is an entry in ClinVar:

NM_032608.7(MYO18B):c.1633A>G (p.Arg545Gly)

Gene: MYO18B (myosin XVIIIB; plus strand). Cytogenetic location: 22q12.1.
Variant type: single nucleotide variant.
Coding change: c.1633A>G on transcript NM_032608.7 (MANE Select); coding-DNA position 1633, A replaced by G.
Protein change: p.Arg545Gly; replaces arginine 545 with glycine.
Molecular consequence: missense variant.
Genome position (GRCh38, 1-based): chr22:25,770,925, A>G. VCF-style: chr22-25770925-A-G. GRCh37 (hg19) VCF-style: chr22-26166892-A-G.
Other names: c.1633A>G, p.Arg545Gly (NM_001318245.2); short protein forms R545G.
Identifiers: ClinVar variation 1929339 (VCV001929339.5), dbSNP rs775273216, ClinGen allele CA411005649.

ClinVar aggregate classification (germline): Uncertain significance (1 of 4 stars; one submission).

Submission:

Labcorp Genetics (formerly Invitae), Labcorp
Classification: Uncertain significance. Last evaluated: 2023-03-09. Review status: criteria provided, single submitter. Criteria: Invitae Variant Classification Sherloc (09022015). Collection method: clinical testing. Allele origin: germline.
Comment: This sequence change replaces arginine, which is basic and polar, with glycine, which is neutral and non-polar, at codon 545 of the MYO18B protein (p.Arg545Gly). This variant is not present in population databases (gnomAD no frequency). This variant has not been reported in the literature in individuals affected with MYO18B-related conditions. ClinVar contains an entry for this variant (Variation ID: 1929339). An algorithm developed to predict the effect of missense changes on protein structure and function (PolyPhen-2) suggests that this variant is likely to be disruptive. In summary, the available evidence is currently insufficient to determine the role of this variant in disease. Therefore, it has been classified as a Variant of Uncertain Significance.